The following is an entry in ClinVar:

NM_000059.4(BRCA2):c.6842-30_6842-3del

Gene: BRCA2 (BRCA2 DNA repair associated; plus strand). Cytogenetic location: 13q13.1.
Variant type: Deletion.
Coding change: c.6842-30_6842-3del on transcript NM_000059.4 (MANE Select); 30 bases into the intron before coding-DNA position 6842 through 3 bases into the intron before coding-DNA position 6842, 28 bases deleted (TAAAAACATATATGAAATATTTCTTTTT).
Molecular consequence: intron variant.
Genome position (GRCh38, 1-based): chr13:32,344,528-32,344,555, TAAAAACATATATGAAATATTTCTTTTT deleted; deleting any 28 consecutive bases within chr13:32,344,527-32,344,555 gives the same sequence; the c. name uses the placement nearest the transcript's 3' end. VCF-style (leftmost placement, unchanged base first): chr13-32344526-CTTAAAAACATATATGAAATATTTCTTTT-C. GRCh37 (hg19) VCF-style: chr13-32918663-CTTAAAAACATATATGAAATATTTCTTTT-C.
Other names: IVS11-30del28; c.6842-30_6842-3delTAAAAACATATATGAAATATTTCTTTTT (NM_000059.3).
Identifiers: ClinVar variation 126123 (VCV000126123.13), dbSNP rs276174885, ClinGen allele CA024510.

ClinVar aggregate classification (germline): Uncertain significance. Review status: criteria provided, multiple submitters, no conflicts (2 of 4 stars). 4 submissions from 4 submitters: Uncertain significance (3). 1 of the submissions does not count toward it. Last evaluated 2025-08-07.

Conditions:
Hereditary cancer-predisposing syndrome. Also called: Tumor predisposition; Hereditary Cancer Syndrome; Neoplastic Syndromes, Hereditary; Hereditary neoplastic syndrome. Identifiers: Orphanet 140162, MedGen C0027672, MeSH D009386, MONDO:0015356.
Hereditary breast ovarian cancer syndrome. Also called: Hereditary breast and ovarian cancer; Hereditary breast and/or ovarian cancer syndrome; BRCA1- and BRCA2-Associated Hereditary Breast and Ovarian Cancer; Hereditary breast and ovarian cancer syndrome; Hereditary breast and ovarian cancer syndrome (HBOC); Breast and ovarian cancer. Identifiers: Orphanet 145, MedGen C0677776, MeSH D061325, MONDO:0003582. Disease mechanism: loss of function.
Breast-ovarian cancer, familial, susceptibility to, 2 (BROVCA2). Also called: BRCA2 Hereditary Breast and Ovarian Cancer. Identifiers: Orphanet 145, MedGen C2675520, MONDO:0012933, OMIM 612555. Disease mechanism: loss of function.

Submissions (4):

Labcorp Genetics (formerly Invitae), Labcorp
Classification: Uncertain significance for Hereditary breast ovarian cancer syndrome. Last evaluated: 2025-08-07. Review status: criteria provided, single submitter. Criteria: Invitae Variant Classification Sherloc (09022015). Collection method: clinical testing. Allele origin: germline.
Comment: This sequence change falls in intron 11 of the BRCA2 gene. It does not directly change the encoded amino acid sequence of the BRCA2 protein. This variant is not present in population databases (gnomAD no frequency). This variant has been observed in individual(s) with clinical features of BRCA2-related conditions (PMID: 10923033). ClinVar contains an entry for this variant (Variation ID: 126123). In summary, the available evidence is currently insufficient to determine the role of this variant in disease. Therefore, it has been classified as a Variant of Uncertain Significance.

Ambry Genetics
Classification: Uncertain significance for Hereditary cancer-predisposing syndrome. Last evaluated: 2024-07-05. Review status: criteria provided, single submitter. Criteria: Ambry Variant Classification Scheme 2023. Collection method: clinical testing. Allele origin: germline.
Comment: The c.6842-30_6842-3del28 intronic variant, located in intron 10 of the BRCA2 gene, results from a deletion of 28 nucleotides within intron 10 of the BRCA2 gene. These nucleotide positions are not well conserved in available vertebrate species. In silico splice site analysis predicts that this alteration will weaken the native splice acceptor site; however, direct evidence is insufficient at this time (Ambry internal data). A minigene analysis has reported that this variant resulted in approximately 90% skipping of exon 12 (coding exon 11), however loss of this exon may be tolerated, as functional studies in murine embryonic stem cells suggested that loss of this exon did not significantly impact survival and likely retained at least partial BRCA2 functionality. (Meulemans L et al. Cancer Res. 2020 Apr;80(7):1374-1386). In addition, a different variant that causes coding exon 11 skipping (BRCA2 c.6853A>G; designated as 7081A>G by the authors) has been reported in trans with a pathogenic BRCA2 founder mutation (BRCA2 c.5946delT, designated as 6174delT by the authors) in an individual without Fanconi Anemia (Li L et al. Hum. Mutat., 2009 Nov;30:1543-50), also suggesting that this exon is dispensable. Therefore, the clinical impact of any aberrant splicing resulting from this variant is uncertain. Based on the available evidence, the clinical significance of this variant remains unclear.

GeneDx
Classification: Uncertain significance. Last evaluated: 2024-07-04. Review status: criteria provided, single submitter. Criteria: GeneDx Variant Classification Process June 2021. Collection method: clinical testing. Allele origin: germline. Affected: yes.
Comment: Not observed at significant frequency in large population cohorts (gnomAD); In silico analysis supports a deleterious effect on splicing; Has not been previously published as pathogenic or benign to our knowledge; Also known as 7070-30_7070-3del; This variant is associated with the following publications: (PMID: 10923033)

Breast Cancer Information Core (BIC) (BRCA2)
Classification: Uncertain significance for Breast-ovarian cancer, familial 2. Last evaluated: 1998-11-30. Review status: no assertion criteria provided. Collection method: clinical testing. Allele origin: germline. Affected: yes. Observed: 1 variant allele. Not counted in ClinVar's aggregate classification.

Literature cited by the submitters: PubMed 10923033 (cited by Labcorp Genetics (formerly Invitae), Labcorp); PubMed 32046981 (cited by Ambry Genetics).